The following is an entry in ClinVar:

NM_001365536.1(SCN9A):c.5351del (p.Glu1784fs)

Genes: SCN1A-AS1 (SCN1A and SCN9A antisense RNA 1; plus strand), SCN9A (sodium voltage-gated channel alpha subunit 9; minus strand). Cytogenetic location: 2q24.3.
Variant type: Deletion.
Coding change: c.5351del on transcript NM_001365536.1 (MANE Select); coding-DNA position 5351, one base deleted (A; older notation c.5351delA).
Protein change: p.Glu1784fs; shifts the reading frame from glutamic acid 1784.
Molecular consequence: frameshift variant.
Genome position (GRCh38, 1-based): chr2:166,199,288, T deleted on the plus strand (A on the coding strand, the reverse complement: SCN9A is on the minus strand). VCF-style (leftmost placement, unchanged base first): chr2-166199287-CT-C. GRCh37 (hg19) VCF-style: chr2-167055797-CT-C.
Other names: c.5351delA (NM_001365536.1); c.5318delA, p.Glu1773Glyfs (NM_002977.4); c.5318delA (NM_002977.3); short protein forms E1773fs, E1784fs.
Identifiers: ClinVar variation 471143 (VCV000471143.17), dbSNP rs1553473041, ClinGen allele CA658657118.

ClinVar aggregate classification (germline): Pathogenic/Likely pathogenic. Review status: criteria provided, multiple submitters, no conflicts (2 of 4 stars). 6 submissions from 6 submitters: Pathogenic (4); Likely pathogenic (2). Last evaluated 2026-06-18.

Conditions:
Channelopathy-associated congenital insensitivity to pain, autosomal recessive. Also called: CONGENITAL ANALGESIA, AUTOSOMAL RECESSIVE; ASYMBOLIA FOR PAIN; Insensitivity to pain, channelopathy-associated. Identifiers: Orphanet 88642, Orphanet 970, MedGen C1855739, MONDO:0009459, OMIM 243000.
Neuropathy, hereditary sensory and autonomic, type 2A (HSAN2A). Also called: HSAN IIA; ACROOSTEOLYSIS, GIACCAI TYPE; ACROOSTEOLYSIS, NEUROGENIC; MORVAN DISEASE; NEUROPATHY, CONGENITAL SENSORY; NEUROPATHY, HEREDITARY SENSORY RADICULAR, AUTOSOMAL RECESSIVE. Identifiers: Orphanet 970, MedGen C2752089, MONDO:0024309, OMIM 201300.
Paroxysmal extreme pain disorder (PEXPD). Also called: SCN9A Paroxysmal Extreme Pain Disorder (SCN9A-PEPD); PAIN, SUBMANDIBULAR, OCULAR, AND RECTAL, WITH FLUSHING; RECTAL PAIN, FAMILIAL. Identifiers: Orphanet 46348, MedGen C1833661, MONDO:0008179, OMIM 167400.
Generalized epilepsy with febrile seizures plus. Also called: Generalized Epilepsy with Febrile Seizures Plus (GEFS+). Identifiers: Orphanet 36387, MedGen C3502809, MONDO:0018214.
Primary erythromelalgia. Also called: primary erythermalgia; SCN9A Erythromelalgia (SCN9A-EM). Identifiers: Orphanet 306577, Orphanet 90026, MedGen C0014805, MONDO:0007571, OMIM 133020.
SCN9A-related disorder. Also called: SCN9A-related disorders; SCN9A-related condition.
Generalized epilepsy with febrile seizures plus, type 7 (GEFSP7). Also called: GEFS+, TYPE 7. Identifiers: Orphanet 36387, MedGen C2751778, MONDO:0013470, OMIM 613863.
Inborn genetic diseases. Identifiers: MedGen C0950123, MeSH D030342.

Allele frequency attached by ClinVar (database versions not stated): TOPMed below 0.00001; gnomAD 0.00001.

Submissions (6):

Women's Health and Genetics/Laboratory Corporation of America, LabCorp
Classification: Likely pathogenic for Channelopathy-associated congenital insensitivity to pain, autosomal recessive. Last evaluated: 2026-06-18. Review status: criteria provided, single submitter. Criteria: LabCorp Variant Classification Summary - May 2015. Collection method: clinical testing. Allele origin: germline.
Comment: Variant summary: SCN9A c.5318delA (p.Glu1773GlyfsX14) results in a premature termination codon in the last exon, predicted to cause a truncation of the encoded protein , however, nonsense mediated decay is not expected to occur. The variant was absent in 251492 control chromosomes. c.5318delA has been observed in compound heterozygous individual(s) affected with congenital insensitivity to pain (e.g. Ramirez_2014). These data indicate that the variant may be associated with disease. At least one publication reports experimental evidence evaluating an impact on protein function. The most pronounced variant effect results in a significant reduction of channel function in transfected cells (McDermott_2019). The following publications have been ascertained in the context of this evaluation (PMID: 30795902, 25253744). ClinVar contains an entry for this variant (Variation ID: 471143). Based on the evidence outlined above, the variant was classified as likely pathogenic.

PreventionGenetics, part of Exact Sciences
Classification: Pathogenic for SCN9A-related condition. Last evaluated: 2026-02-19. Review status: criteria provided, single submitter. Criteria: ACMG Guidelines, 2015. Collection method: clinical testing. Allele origin: germline.
Comment: The SCN9A c.5318delA variant is predicted to result in a frameshift and premature protein termination (p.Glu1773Glyfs*14). This variant has been reported in the compound heterozygous state in two siblings with congenital insensitivity to pain (Ramirez et al. 2014. PubMed ID: 25253744). This variant resides in the final exon of this gene, and it is unclear if the resulting mRNA would undergo nonsense-mediated decay. Experimental studies indicate this variant impacts protein function (McDermott et al. 2019. PubMed ID: 30795902). This variant has not been reported in a large population database (gnomAD), indicating this variant is rare. Frameshift variants in SCN9A are expected to be pathogenic for autosomal recessive SCN9A-related disorders. This variant is interpreted as pathogenic for autosomal recessive SCN9A-related disorders.

Labcorp Genetics (formerly Invitae), Labcorp
Classification: Pathogenic for Neuropathy, hereditary sensory and autonomic, type 2A; Generalized epilepsy with febrile seizures plus, type 7. Last evaluated: 2025-06-14. Review status: criteria provided, single submitter. Criteria: Invitae Variant Classification Sherloc (09022015). Collection method: clinical testing. Allele origin: germline.
Comment: This sequence change creates a premature translational stop signal (p.Glu1773Glyfs*14) in the SCN9A gene. While this is not anticipated to result in nonsense mediated decay, it is expected to disrupt the last 205 amino acid(s) of the SCN9A protein. This variant is not present in population databases (gnomAD no frequency). This premature translational stop signal has been observed in individual(s) with congenital insensitivity to pain (PMID: 25253744). In at least one individual the data is consistent with being in trans (on the opposite chromosome) from a pathogenic variant. It has also been observed to segregate with disease in related individuals. ClinVar contains an entry for this variant (Variation ID: 471143). Algorithms developed to predict the effect of variants on gene product structure and function are not available or were not evaluated for this variant. Experimental studies have shown that this premature translational stop signal affects SCN9A function (PMID: 30795902). Algorithms developed to predict the effect of sequence changes on RNA splicing suggest that this variant may create or strengthen a splice site. For these reasons, this variant has been classified as Pathogenic.

Victorian Clinical Genetics Services, Murdoch Childrens Research Institute
Classification: Pathogenic for Channelopathy-associated congenital insensitivity to pain, autosomal recessive. Last evaluated: 2025-04-27. Review status: criteria provided, single submitter. Criteria: ACMG Guidelines, 2015. Collection method: clinical testing. Allele origin: germline. Affected: yes.
Comment: This variant is classified as Pathogenic. Evidence in support of pathogenic classification: Variant is predicted to result in a truncated protein (premature termination codon is NOT located at least 54 nucleotides upstream of the final exon-exon junction) with less than 1/3 of the protein sequence affected; Variant is present in gnomAD (v3) <0.01 (1 heterozygote, 0 homozygotes); This variant has moderate previous evidence of pathogenicity in unrelated individuals. This variant has been classified as likely pathogenic and pathogenic by clinical laboratories in ClinVar. It has also been reported in two affected siblings as compound heterozygous with an NMD-predicted variant (PMID: 25253744). Additional information: This variant is heterozygous; This gene is associated with both recessive and dominant disease. Type IID hereditary sensory and autonomic neuropathy, and congenital insensitivity to pain (MIM#243000) are associated with autosomal recessive inheritance; primary erythermalgia and small fiber neuropathy (MIM#133020), and paroxysmal extreme pain disorder (MIM#167400) are inherited in an autosomal dominant pattern (OMIM); No published functional evidence has been identified for this variant; Other premature termination variants (PTVs) comparable to the one identified in this case have conflicting previous evidence for pathogenicity. PTVs located downstream of this variant had been reported in individuals with congenital insensitivity to pain (PMIDs: 28494607, 25995458), and as likely pathogenic or uncertain significance in ClinVar; There is no annotated protein domain located downstream of this variant (DECIPHER); Loss of function and gain of function are known mechanisms of disease in this gene. Loss of function variants are associated with congenital insensitivity to pain (MIM#243000); gain of function variants are associated with primary erythermalgia (MIM#133020) and paroxysmal extreme pain disorder (MIM#167400) (PMID: 18060017); The condition associated with this gene has incomplete penetrance. Small fiber neuropathy is associated with reduced penetrance (PMID: 20301342); Heterozygous variant detected in trans with a second PATHOGENIC heterozygous variant (NM_001365536.1(SCN9A):c.2424G>A; p.(Trp808*)) in a recessive disease.

GeneDx
Classification: Pathogenic. Last evaluated: 2023-08-22. Review status: criteria provided, single submitter. Criteria: GeneDx Variant Classification Process June 2021. Collection method: clinical testing. Allele origin: germline. Affected: yes.
Comment: Published functional studies demonstrate significantly reduced current density of the channel resulting in almost complete loss of channel function (McDermott et al., 2019); Frameshift variant predicted to result in protein truncation, as the last 205 amino acids are replaced with 13 different amino acids, and other loss-of-function variants have been reported downstream in HGMD; Not observed at significant frequency in large population cohorts (gnomAD); This variant is associated with the following publications: (PMID: 25253744, 30795902)

Ambry Genetics
Classification: Likely pathogenic for Inborn genetic diseases. Last evaluated: 2023-04-25. Review status: criteria provided, single submitter. Criteria: Ambry Variant Classification Scheme 2023. Collection method: clinical testing. Allele origin: germline.
Comment: The c.5318delA (p.E1773Gfs*14) alteration, located in exon 27 (coding exon 26) of the SCN9A gene, consists of a deletion of one nucleotide at position 5318, causing a translational frameshift with a predicted alternate stop codon after 14 amino acids. This alteration occurs at the 3' terminus of the SCN9A gene, is not expected to trigger nonsense-mediated mRNA decay, and impacts the last 10.4% of the protein. Premature stop codons are typically deleterious in nature and a significant portion of the protein is affected (Ambry internal data). _x000D_ _x000D_ Based on the available evidence, the SCN9A c.5318delA (p.E1773Gfs*14) alteration is classified as likely pathogenic for autosomal recessive congenital insensitivity to pain; however, its clinical significance for autosomal dominant SCN9A-related neuropathic pain syndromes is unclear. This variant was not reported in population-based cohorts in the Genome Aggregation Database (gnomAD). This variant has been reported compound heterozygous with c.2488C>T (p.R830*) in an individual with congenital insensitivity to pain and anosmia (Ramirez, 2014; McDermott, 2019) . An in vitro functional analysis of this variant has shown a significant reduction in protein function compared to wild-type (McDermott, 2019). Based on the available evidence, this alteration is classified as likely pathogenic.

Literature cited by the submitters: PubMed 30795902 (cited by 3 submitters); PubMed 25253744 (cited by 4 submitters); PubMed 28494607 (cited by Victorian Clinical Genetics Services, Murdoch Childrens Research Institute); PubMed 18060017 (cited by Victorian Clinical Genetics Services, Murdoch Childrens Research Institute); PubMed 25995458 (cited by Victorian Clinical Genetics Services, Murdoch Childrens Research Institute); PubMed 20301342 (cited by Victorian Clinical Genetics Services, Murdoch Childrens Research Institute and Ambry Genetics).